The following is an entry in ClinVar:

NM_001077706.3(ECT2L):c.1510A>G (p.Ile504Val)

Gene: ECT2L (epithelial cell transforming 2 like; plus strand). Cytogenetic location: 6q24.1.
Variant type: single nucleotide variant.
Coding change: c.1510A>G on transcript NM_001077706.3 (MANE Select); coding-DNA position 1510, A replaced by G.
Protein change: p.Ile504Val; replaces isoleucine 504 with valine.
Molecular consequence: missense variant.
Genome position (GRCh38, 1-based): chr6:138,868,138, A>G. VCF-style: chr6-138868138-A-G. GRCh37 (hg19) VCF-style: chr6-139189275-A-G.
Other names: c.1510A>G, p.Ile504Val (NM_001195037.2); short protein forms I504V.
Identifiers: ClinVar variation 133988 (VCV000133988.1), dbSNP rs201270230, ClinGen allele CA158344.

ClinVar aggregate classification (germline): not provided (0 of 4 stars; one submission).

Allele frequency attached by ClinVar (database versions not stated): gnomAD 0.00003 and 0.00088; TOPMed 0.00017; gnomAD exomes 0.00140 and 0.00301; ExAC 0.00340; 1000 Genomes Project 30x 0.00687; 1000 Genomes Project 0.00719.
gnomAD v4.1: 2,188 of 1,613,316 alleles (0.14%); highest among the groups gnomAD compares: South Asian, 2.2%; 54 homozygotes.

Submission:

ITMI
No classification provided. Condition: AllHighlyPenetrant. Last evaluated: 2013-09-19. Review status: no classification provided. Collection method: reference population. Allele origin: germline.
Comment: Please see associated publication for description of ethnicities

Literature cited by the submitters: PubMed 24728327.